The following is an entry in ClinVar:

NM_020831.6(MRTFA):c.2179G>A (p.Ala727Thr)

Gene: MRTFA (myocardin related transcription factor A; minus strand). Cytogenetic location: 22q13.1.
Variant type: single nucleotide variant.
Coding change: c.2179G>A on transcript NM_020831.6 (MANE Select); coding-DNA position 2179, G replaced by A.
Protein change: p.Ala727Thr; replaces alanine 727 with threonine.
Molecular consequence: missense variant.
Genome position (GRCh38, 1-based): chr22:40,418,559, C>T on the plus strand (G>A on the coding strand, the complement: MRTFA is on the minus strand). VCF-style: chr22-40418559-C-T. GRCh37 (hg19) VCF-style: chr22-40814563-C-T.
Other names: c.1879G>A, p.Ala627Thr (NM_001282660.2); c.2029G>A, p.Ala677Thr (NM_001282661.3); c.2179G>A, p.Ala727Thr (NM_001282662.3); c.1984G>A, p.Ala662Thr (NM_001318139.2); short protein forms A627T, A677T, A727T, A662T.
Identifiers: ClinVar variation 2985466 (VCV002985466.3), dbSNP rs1403712554, ClinGen allele CA411657939.
Genomic context (GRCh38, chr22:40,418,559, plus strand): 5'-GGCCCTGAGGCCCCAGAAGCAACTGGGGGGCGGGGACCGGCTCGGGCTCAGGCTGCAAGG[C>T]TTCCTGCTTCACCACCACGGACGGGGGCCCCGGGGCCACAGCACAAGGGTCTATGTGGTT-3'
Protein context (NP_065882.2, residues 717-737): GPPSVVVKQE[Ala727Thr]LQPEPEPVPA

ClinVar aggregate classification (germline): Uncertain significance (1 of 4 stars; one submission).

Allele frequency attached by ClinVar (database versions not stated): gnomAD exomes below 0.00001; TOPMed below 0.00001; gnomAD 0.00001.
gnomAD v4.1: 3 of 1,567,956 alleles (0.00019%); highest among the groups gnomAD compares: Non-Finnish European, 0.00026%; no homozygotes.

Submission:

Labcorp Genetics (formerly Invitae), Labcorp
Classification: Uncertain significance. Last evaluated: 2023-08-04. Review status: criteria provided, single submitter. Criteria: Invitae Variant Classification Sherloc (09022015). Collection method: clinical testing. Allele origin: germline.
Comment: This sequence change replaces alanine, which is neutral and non-polar, with threonine, which is neutral and polar, at codon 627 of the MKL1 protein (p.Ala627Thr). In summary, the available evidence is currently insufficient to determine the role of this variant in disease. Therefore, it has been classified as a Variant of Uncertain Significance. An algorithm developed to predict the effect of missense changes on protein structure and function (PolyPhen-2) suggests that this variant is likely to be tolerated. This variant has not been reported in the literature in individuals affected with MKL1-related conditions. This variant is not present in population databases (gnomAD no frequency).